The following is an entry in ClinVar:

NM_182914.3(SYNE2):c.4672A>G (p.Ile1558Val)

Gene: SYNE2 (spectrin repeat containing nuclear envelope protein 2; plus strand). Cytogenetic location: 14q23.2.
Variant type: single nucleotide variant.
Coding change: c.4672A>G on transcript NM_182914.3 (MANE Select); coding-DNA position 4672, A replaced by G.
Protein change: p.Ile1558Val; replaces isoleucine 1558 with valine.
Molecular consequence: missense variant.
Genome position (GRCh38, 1-based): chr14:64,010,060, A>G. VCF-style: chr14-64010060-A-G. GRCh37 (hg19) VCF-style: chr14-64476778-A-G.
Other names: c.4672A>G, p.Ile1558Val (NM_015180.6); c.4672A>G (NM_182914.2); short protein forms I1558V.
Identifiers: ClinVar variation 1373089 (VCV001373089.7), dbSNP rs781515176, ClinGen allele CA389936198.
Genomic context (GRCh38, chr14:64,010,060, plus strand): 5'-AAACAATATCAGAATTTTAAAAGCATCTTGACAACTTTGATTCAAAAAGAAGAGAGTGTC[A>G]TCTCCCTGCAGGCTTCGTACATGGGAAAGGAGAACCTGAAGAAAAGGATAGCAGAGGTGA-3'
Protein context (NP_878918.2, residues 1548-1568): TTLIQKEESV[Ile1558Val]SLQASYMGKE

ClinVar aggregate classification (germline): Uncertain significance. Review status: criteria provided, multiple submitters, no conflicts (2 of 4 stars). 2 submissions from 2 submitters: Uncertain significance (2). Last evaluated 2025-10-29.

Conditions:
Emery-Dreifuss muscular dystrophy 5, autosomal dominant (EDMD5). Also called: EMERY-DREIFUSS MUSCULAR DYSTROPHY 5. Identifiers: Orphanet 261, MedGen C2751805, MONDO:0013072, OMIM 612999.

Allele frequency attached by ClinVar (database versions not stated): gnomAD 0.00001; TOPMed 0.00002.

Submissions (2):

Labcorp Genetics (formerly Invitae), Labcorp
Classification: Uncertain significance for Emery-Dreifuss muscular dystrophy 5, autosomal dominant. Last evaluated: 2025-10-29. Review status: criteria provided, single submitter. Criteria: Invitae Variant Classification Sherloc (09022015). Collection method: clinical testing. Allele origin: germline.
Comment: This sequence change replaces isoleucine, which is neutral and non-polar, with valine, which is neutral and non-polar, at codon 1558 of the SYNE2 protein (p.Ile1558Val). This variant is not present in population databases (gnomAD no frequency). This variant has not been reported in the literature in individuals affected with SYNE2-related conditions. ClinVar contains an entry for this variant (Variation ID: 1373089). An algorithm developed to predict the effect of missense changes on protein structure and function (PolyPhen-2) suggests that this variant is likely to be tolerated. In summary, the available evidence is currently insufficient to determine the role of this variant in disease. Therefore, it has been classified as a Variant of Uncertain Significance.

Ambry Genetics
Classification: Uncertain significance. Last evaluated: 2023-11-07. Review status: criteria provided, single submitter. Criteria: Ambry Variant Classification Scheme 2023. Collection method: clinical testing. Allele origin: germline.